The following is an entry in ClinVar:

ClinVar aggregate classification (germline): Uncertain significance (1 of 4 stars; one submission).

gnomAD v4.1: 2 of 1,614,152 alleles (0.00012%); highest among the groups gnomAD compares: African/African-American, 0.0013%; no homozygotes.

Submission:

Ambry Genetics
Classification: Uncertain significance. Last evaluated: 2025-03-17. Review status: criteria provided, single submitter. Criteria: Ambry Variant Classification Scheme 2023. Collection method: clinical testing. Allele origin: germline.
Comment: The p.L623F variant (also known as c.1867C>T), located in coding exon 9 of the ATRIP gene, results from a C to T substitution at nucleotide position 1867. The leucine at codon 623 is replaced by phenylalanine, an amino acid with highly similar properties. This amino acid position is conserved. In addition, this alteration is predicted to be tolerated by in silico analysis. Based on the available evidence, the clinical significance of this variant remains unclear.

NM_130384.3(ATRIP):c.1867C>T (p.Leu623Phe)

Genes: ATRIP (ATR interacting protein; plus strand), ATRIP-TREX1 (ATRIP-TREX1 readthrough; plus strand). Cytogenetic location: 3p21.31.
Variant type: single nucleotide variant.
Coding change: c.1867C>T on transcript NM_130384.3 (MANE Select); coding-DNA position 1867, C replaced by T.
Protein change: p.Leu623Phe; replaces leucine 623 with phenylalanine.
Molecular consequence: missense variant. On other transcripts: non-coding transcript variant (1).
Genome position (GRCh38, 1-based): chr3:48,463,866, C>T. VCF-style: chr3-48463866-C-T. GRCh37 (hg19) VCF-style: chr3-48505265-C-T.
Other names: c.1486C>T, p.Leu496Phe (NM_001271022.2); c.1588C>T, p.Leu530Phe (NM_001271023.2); c.1867C>T, p.Leu623Phe (NM_032166.4); short protein forms L623F, L496F, L530F.
Identifiers: ClinVar variation 3975582 (VCV003975582.1).